The following is an entry in ClinVar:

ClinVar aggregate classification (germline): Uncertain significance (1 of 4 stars; one submission).

Conditions:
Neuropathy, hereditary motor and sensory, type 6B (HMSN6B). Also called: HMSN VIB; CHARCOT-MARIE-TOOTH DISEASE, TYPE 6B; NEUROPATHY, HEREDITARY MOTOR AND SENSORY, TYPE VIB, WITH OPTIC ATROPHY; Neuropathy, hereditary motor and sensory, type VIB. Identifiers: MedGen C4225302, MONDO:0014671, OMIM 616505.

Allele frequency attached by ClinVar (database versions not stated): gnomAD exomes below 0.00001.
gnomAD v4.1: 3 of 1,613,838 alleles (0.00019%); highest among the groups gnomAD compares: Non-Finnish European, 0.00025%; no homozygotes.

Submission:

Labcorp Genetics (formerly Invitae), Labcorp
Classification: Uncertain significance for Neuropathy, hereditary motor and sensory, type 6B. Last evaluated: 2023-08-17. Review status: criteria provided, single submitter. Criteria: Invitae Variant Classification Sherloc (09022015). Collection method: clinical testing. Allele origin: germline.
Comment: In summary, the available evidence is currently insufficient to determine the role of this variant in disease. Therefore, it has been classified as a Variant of Uncertain Significance. Advanced modeling of protein sequence and biophysical properties (such as structural, functional, and spatial information, amino acid conservation, physicochemical variation, residue mobility, and thermodynamic stability) has been performed at Invitae for this missense variant, however the output from this modeling did not meet the statistical confidence thresholds required to predict the impact of this variant on SLC25A46 protein function. ClinVar contains an entry for this variant (Variation ID: 574924). This variant has not been reported in the literature in individuals affected with SLC25A46-related conditions. This variant is not present in population databases (gnomAD no frequency). This sequence change replaces threonine, which is neutral and polar, with alanine, which is neutral and non-polar, at codon 346 of the SLC25A46 protein (p.Thr346Ala).

NM_138773.4(SLC25A46):c.1036A>G (p.Thr346Ala)

Gene: SLC25A46 (solute carrier family 25 member 46; plus strand). Cytogenetic location: 5q22.1.
Variant type: single nucleotide variant.
Coding change: c.1036A>G on transcript NM_138773.4 (MANE Select); coding-DNA position 1036, A replaced by G.
Protein change: p.Thr346Ala; replaces threonine 346 with alanine.
Molecular consequence: missense variant. On other transcripts: non-coding transcript variant (1).
Genome position (GRCh38, 1-based): chr5:110,761,561, A>G. VCF-style: chr5-110761561-A-G. GRCh37 (hg19) VCF-style: chr5-110097261-A-G.
Other names: c.793A>G, p.Thr265Ala (NM_001303249.3); c.763A>G, p.Thr255Ala (NM_001303250.3); short protein forms T346A, T255A, T265A.
Identifiers: ClinVar variation 574924 (VCV000574924.11), dbSNP rs1561610023, ClinGen allele CA360696873.